The following is an entry in ClinVar:

ClinVar aggregate classification (germline): Uncertain significance (1 of 4 stars; one submission).

Conditions:
Chédiak-Higashi syndrome (CHS). Also called: Chediak-Higashi Syndrome. Identifiers: Orphanet 167, MedGen C0007965, MONDO:0008963, OMIM 214500.

Submission:

Labcorp Genetics (formerly Invitae), Labcorp
Classification: Uncertain significance for Chédiak-Higashi syndrome. Last evaluated: 2024-06-13. Review status: criteria provided, single submitter. Criteria: Invitae Variant Classification Sherloc (09022015). Collection method: clinical testing. Allele origin: germline.
Comment: This sequence change replaces tryptophan, which is neutral and slightly polar, with leucine, which is neutral and non-polar, at codon 3778 of the LYST protein (p.Trp3778Leu). This variant is not present in population databases (gnomAD no frequency). This variant has not been reported in the literature in individuals affected with LYST-related conditions. Advanced modeling of protein sequence and biophysical properties (such as structural, functional, and spatial information, amino acid conservation, physicochemical variation, residue mobility, and thermodynamic stability) has been performed at Invitae for this missense variant, however the output from this modeling did not meet the statistical confidence thresholds required to predict the impact of this variant on LYST protein function. In summary, the available evidence is currently insufficient to determine the role of this variant in disease. Therefore, it has been classified as a Variant of Uncertain Significance.

NM_000081.4(LYST):c.11333G>T (p.Trp3778Leu)

Gene: LYST (lysosomal trafficking regulator; minus strand). Cytogenetic location: 1q42.3.
Variant type: single nucleotide variant.
Coding change: c.11333G>T on transcript NM_000081.4 (MANE Select); coding-DNA position 11333, G replaced by T.
Protein change: p.Trp3778Leu; replaces tryptophan 3778 with leucine.
Molecular consequence: missense variant.
Genome position (GRCh38, 1-based): chr1:235,663,013, C>A on the plus strand (G>T on the coding strand, the complement: LYST is on the minus strand). VCF-style: chr1-235663013-C-A. GRCh37 (hg19) VCF-style: chr1-235826313-C-A.
Other names: c.11333G>T, p.Trp3778Leu (NM_001301365.1); short protein forms W3778L.
Identifiers: ClinVar variation 3656507 (VCV003656507.2).